The following is an entry in ClinVar:

ClinVar aggregate classification (germline): Likely pathogenic (1 of 4 stars; one submission).

Conditions:
Mucopolysaccharidosis, MPS-IV-A (MPS4A). Also called: Mucopolysaccharidosis type IV A; Mucopolysaccharidosis Type IVA; Morquio syndrome A, mild; MORQUIO SYNDROME A; MPS IVA; mucopolysaccharidosis type 4A. Identifiers: Orphanet 309297, Orphanet 582, MedGen C0086651, MONDO:0009659, OMIM 253000.

Allele frequency attached by ClinVar (database versions not stated): gnomAD exomes below 0.00001.
gnomAD v4.1: 1 of 1,582,258 alleles (0.000063%); highest among the groups gnomAD compares: Non-Finnish European, 0.000086%; no homozygotes.

Submission:

Laboratory of Diagnosis and Therapy of Lysosomal Disorders, University of Padova
Classification: Likely pathogenic for Mucopolysaccharidosis, MPS-IV-A. Last evaluated: 2021-02-01. Review status: criteria provided, single submitter. Criteria: ACMG Guidelines, 2015. Collection method: research. Allele origin: germline. Affected: yes.
Comment: Nonsense variant (PVS1_very strong); absent from gnomAD v2.1.1 (PM2_moderate)

Literature cited by the submitters: PubMed 34387910.

NM_000512.5(GALNS):c.895C>T (p.Gln299Ter)

Gene: GALNS (galactosamine (N-acetyl)-6-sulfatase; minus strand). Cytogenetic location: 16q24.3.
Variant type: single nucleotide variant.
Coding change: c.895C>T on transcript NM_000512.5 (MANE Select); coding-DNA position 895, C replaced by T.
Protein change: p.Gln299Ter; replaces glutamine 299 with a stop codon.
Molecular consequence: nonsense.
Genome position (GRCh38, 1-based): chr16:88,835,216, G>A on the plus strand (C>T on the coding strand, the complement: GALNS is on the minus strand). VCF-style: chr16-88835216-G-A. GRCh37 (hg19) VCF-style: chr16-88901624-G-A.
Other names: c.340C>T, p.Gln114Ter (NM_001323543.2); c.913C>T, p.Gln305Ter (NM_001323544.2); short protein forms Q114*, Q299*, Q305*.
Identifiers: ClinVar variation 1048479 (VCV001048479.3), dbSNP rs2143001103, ClinGen allele CA397075835.